The following is an entry in ClinVar:

ClinVar aggregate classification (germline): Uncertain significance (1 of 4 stars; one submission).

Submission:

Ambry Genetics
Classification: Uncertain significance. Last evaluated: 2024-06-15. Review status: criteria provided, single submitter. Criteria: Ambry Variant Classification Scheme 2023. Collection method: clinical testing. Allele origin: germline.
Comment: The p.S154L variant (also known as c.461C>T), located in coding exon 1 of the EGLN1 gene, results from a C to T substitution at nucleotide position 461. The serine at codon 154 is replaced by leucine, an amino acid with dissimilar properties. This amino acid position is conserved. In addition, this alteration is predicted to be tolerated by in silico analysis. Since supporting evidence is limited at this time, the clinical significance of this alteration remains unclear.

NM_022051.3(EGLN1):c.461C>T (p.Ser154Leu)

Gene: EGLN1 (egl-9 family hypoxia inducible factor 1; minus strand). Cytogenetic location: 1q42.2.
Variant type: single nucleotide variant.
Coding change: c.461C>T on transcript NM_022051.3 (MANE Select); coding-DNA position 461, C replaced by T.
Protein change: p.Ser154Leu; replaces serine 154 with leucine.
Molecular consequence: missense variant.
Genome position (GRCh38, 1-based): chr1:231,421,428, G>A on the plus strand (C>T on the coding strand, the complement: EGLN1 is on the minus strand). VCF-style: chr1-231421428-G-A. GRCh37 (hg19) VCF-style: chr1-231557174-G-A.
Other names: c.461C>T, p.Ser154Leu (NM_001377260.1, NM_001377261.1); short protein forms S154L.
Identifiers: ClinVar variation 1741944 (VCV001741944.3), dbSNP rs1018129986, ClinGen allele CA345236884.
Genomic context (GRCh38, chr1:231,421,428, plus strand): 5'-CTCAGCGCATCCCCGGGCGTGTTGCTTGGGGGGTACAGGTTCGCCTTCTCCTGGAACAGC[G>A]ATGAGCGGGCCGGCGGCTCCTCCTTGCCGGGCTCGGCTTCGGCAGCCACCGCCGAGCCCT-3'
Protein context (NP_071334.1, residues 144-164): PGKEEPPARS[Ser154Leu]LFQEKANLYP